The following is an entry in ClinVar:

ClinVar aggregate classification (germline): Uncertain significance (1 of 4 stars; one submission).

Conditions:
Dilated cardiomyopathy 1G (CMD1G). Identifiers: Orphanet 154, MedGen C1858763, MONDO:0011400, OMIM 604145.
Autosomal recessive limb-girdle muscular dystrophy type 2J (LGMDR10). Also called: Limb-girdle muscular dystrophy, type 2J; MUSCULAR DYSTROPHY, LIMB-GIRDLE, AUTOSOMAL RECESSIVE 10. Identifiers: Orphanet 140922, MedGen C1837342, MONDO:0012127, OMIM 608807.

Submission:

Labcorp Genetics (formerly Invitae), Labcorp
Classification: Uncertain significance for Dilated cardiomyopathy 1G; Autosomal recessive limb-girdle muscular dystrophy type 2J. Last evaluated: 2023-07-22. Review status: criteria provided, single submitter. Criteria: Invitae Variant Classification Sherloc (09022015). Collection method: clinical testing. Allele origin: germline.
Comment: In summary, the available evidence is currently insufficient to determine the role of this variant in disease. Therefore, it has been classified as a Variant of Uncertain Significance. Experimental studies and prediction algorithms are not available or were not evaluated, and the functional significance of this variant is currently unknown. This variant has not been reported in the literature in individuals affected with TTN-related conditions. This variant is not present in population databases (gnomAD no frequency). This sequence change replaces proline, which is neutral and non-polar, with arginine, which is basic and polar, at codon 20108 of the TTN protein (p.Pro20108Arg).

NM_001267550.2(TTN):c.60323C>G (p.Pro20108Arg)

Genes: TTN (titin; minus strand), TTN-AS1 (TTN antisense RNA 1; plus strand). Cytogenetic location: 2q31.2.
Variant type: single nucleotide variant.
Coding change: c.60323C>G on transcript NM_001267550.2 (MANE Select); coding-DNA position 60323, C replaced by G.
Protein change: p.Pro20108Arg; replaces proline 20108 with arginine.
Molecular consequence: missense variant.
Genome position (GRCh38, 1-based): chr2:178,591,402, G>C on the plus strand (C>G on the coding strand, the complement: TTN is on the minus strand). VCF-style: chr2-178591402-G-C. GRCh37 (hg19) VCF-style: chr2-179456129-G-C.
Other names: c.55400C>G, p.Pro18467Arg (NM_001256850.1); c.33128C>G, p.Pro11043Arg (NM_003319.4); c.52619C>G, p.Pro17540Arg (NM_133378.4); c.33503C>G, p.Pro11168Arg (NM_133432.3); c.33704C>G, p.Pro11235Arg (NM_133437.4); short protein forms P11043R, P11235R, P17540R, P18467R, P11168R, P20108R.
Identifiers: ClinVar variation 2950184 (VCV002950184.3), dbSNP rs751528859, ClinGen allele CA349485417.
Genomic context (GRCh38, chr2:178,591,402, plus strand): 5'-TCAACTGTGTAGTGCTCATCGGTTTTAATCTCACTCCCATCGGTTGTCCACTTTGCAGTA[G>C]GAACAGGCACACCTCTTATAATAGCAGGGAATCTGACTGTGGTTCCAGCCTTTACCACAA-3'
Protein context (NP_001254479.2, residues 20098-20118): FPAIIRGVPV[Pro20108Arg]TAKWTTDGSE